The following is an entry in ClinVar:

ClinVar aggregate classification (germline): Uncertain significance (0 of 4 stars; one submission).

Allele frequency attached by ClinVar (database versions not stated): gnomAD 0.00001.
gnomAD v4.1: 2 of 1,613,256 alleles (0.00012%); highest among the groups gnomAD compares: East Asian, 0.0022%; no homozygotes.

Submission:

Martin Pollak Laboratory,  Beth Israel Deaconess Medical Center
Classification: Uncertain significance. Review status: no assertion criteria provided. Collection method: not provided. Allele origin: unknown.
Comment: Lower UCa2+ group
ClinVar note: Converted during submission from unknown to Uncertain significance.

NM_001288772.2(PIK3C2G):c.3822C>A (p.Ser1274Arg)

Gene: PIK3C2G (phosphatidylinositol-4-phosphate 3-kinase catalytic subunit type 2 gamma; plus strand). Cytogenetic location: 12p12.3.
Variant type: single nucleotide variant.
Coding change: c.3822C>A on transcript NM_001288772.2 (MANE Select); coding-DNA position 3822, C replaced by A.
Protein change: p.Ser1274Arg; replaces serine 1274 with arginine.
Molecular consequence: missense variant.
Genome position (GRCh38, 1-based): chr12:18,563,418, C>A. VCF-style: chr12-18563418-C-A. GRCh37 (hg19) VCF-style: chr12-18716352-C-A.
Other names: c.3156C>A, p.Ser1052Arg (NM_001288774.2); c.3699C>A, p.Ser1233Arg (NM_004570.6); short protein forms S1233R, S1274R, S1052R.
Identifiers: ClinVar variation 64534 (VCV000064534.2), dbSNP rs387907451, ClinGen allele CA216353.
Genomic context (GRCh38, chr12:18,563,418, plus strand): 5'-ATCTATTTACTTTCTGCAGCTGTATCTGATCCAGGTGACACACAGCAACAACGAAACAAG[C>A]CTGACAGAAAAATCATTTGAGCAGTTTTCAAAACTTCACAGCCAACTTCAGAAGCAGTTT-3'
Protein context (NP_001275701.1, residues 1264-1284): IQVTHSNNET[Ser1274Arg]LTEKSFEQFS